The following is an entry in ClinVar:

NM_005591.4(MRE11):c.260G>A (p.Arg87Gln)

Gene: MRE11 (MRE11 double strand break repair nuclease; minus strand). Cytogenetic location: 11q21.
Variant type: single nucleotide variant.
Coding change: c.260G>A on transcript NM_005591.4 (MANE Select); coding-DNA position 260, G replaced by A.
Protein change: p.Arg87Gln; replaces arginine 87 with glutamine.
Molecular consequence: missense variant.
Genome position (GRCh38, 1-based): chr11:94,485,978, C>T on the plus strand (G>A on the coding strand, the complement: MRE11 is on the minus strand). VCF-style: chr11-94485978-C-T. GRCh37 (hg19) VCF-style: chr11-94219144-C-T.
Other names: c.260G>A, p.Arg87Gln (NM_001330347.2, NM_005590.4); short protein forms R87Q.
Identifiers: ClinVar variation 233099 (VCV000233099.15), dbSNP rs752585966, ClinGen allele CA6235433.

ClinVar aggregate classification (germline): Uncertain significance. Review status: criteria provided, multiple submitters, no conflicts (2 of 4 stars). 4 submissions from 4 submitters: Uncertain significance (4). Last evaluated 2025-10-13.

Conditions:
Hereditary cancer-predisposing syndrome. Also called: Neoplastic Syndromes, Hereditary; Tumor predisposition; Hereditary Cancer Syndrome; Hereditary neoplastic syndrome. Identifiers: Orphanet 140162, MedGen C0027672, MeSH D009386, MONDO:0015356.
Ataxia-telangiectasia-like disorder (ATLD). Identifiers: MedGen C1858391, MONDO:0011457.

Allele frequency attached by ClinVar (database versions not stated): gnomAD 0.00001; gnomAD exomes 0.00001 and 0.00002; TOPMed 0.00001; ExAC 0.00002.
gnomAD v4.1: 8 of 1,613,436 alleles (0.0005%); highest among the groups gnomAD compares: Admixed American, 0.005%; no homozygotes.

Submissions (4):

Ambry Genetics
Classification: Uncertain significance for Hereditary cancer-predisposing syndrome. Last evaluated: 2025-10-13. Review status: criteria provided, single submitter. Criteria: Ambry Variant Classification Scheme 2023. Collection method: clinical testing. Allele origin: germline.
Comment: The p.R87Q variant (also known as c.260G>A), located in coding exon 3 of the MRE11A gene, results from a G to A substitution at nucleotide position 260. The arginine at codon 87 is replaced by glutamine, an amino acid with highly similar properties. This amino acid position is well conserved in available vertebrate species. In addition, this alteration is predicted to be tolerated by in silico analysis. Since supporting evidence is limited at this time, the clinical significance of this alteration remains unclear.

Labcorp Genetics (formerly Invitae), Labcorp
Classification: Uncertain significance for Ataxia-telangiectasia-like disorder. Last evaluated: 2025-04-07. Review status: criteria provided, single submitter. Criteria: Invitae Variant Classification Sherloc (09022015). Collection method: clinical testing. Allele origin: germline.
Comment: This sequence change replaces arginine, which is basic and polar, with glutamine, which is neutral and polar, at codon 87 of the MRE11 protein (p.Arg87Gln). This variant is present in population databases (rs752585966, gnomAD 0.006%). This variant has not been reported in the literature in individuals affected with MRE11-related conditions. ClinVar contains an entry for this variant (Variation ID: 233099). An algorithm developed to predict the effect of missense changes on protein structure and function (PolyPhen-2) suggests that this variant is likely to be disruptive. In summary, the available evidence is currently insufficient to determine the role of this variant in disease. Therefore, it has been classified as a Variant of Uncertain Significance.

Women's Health and Genetics/Laboratory Corporation of America, LabCorp
Classification: Uncertain significance. Last evaluated: 2025-01-13. Review status: criteria provided, single submitter. Criteria: LabCorp Variant Classification Summary - May 2015. Collection method: clinical testing. Allele origin: germline.
Comment: Variant summary: MRE11A c.260G>A (p.Arg87Gln) results in a conservative amino acid change located in the DNA double-strand break repair protein Mre11, N-terminal metallophosphatase domain (IPR041796) of the encoded protein sequence. Three of five in-silico tools predict a damaging effect of the variant on protein function. The variant allele was found at a frequency of 2e-05 in 251134 control chromosomes. The available data on variant occurrences in the general population are insufficient to allow any conclusion about variant significance. c.260G>A has been reported in the literature as a VUS in at least one individual who underwent multigene panel testing for a suspected hereditary cancer syndrome, however no further clinical details were provided (de Oliveria_2022). This report does not provide unequivocal conclusions about association of the variant with MRE11A-related disorders. To our knowledge, no experimental evidence demonstrating an impact on protein function has been reported. The following publication has been ascertained in the context of this evaluation (PMID: 35534704). ClinVar contains an entry for this variant (Variation ID: 233099). Based on the evidence outlined above, the variant was classified as uncertain significance.

Quest Diagnostics Nichols Institute San Juan Capistrano
Classification: Uncertain significance. Last evaluated: 2024-07-29. Review status: criteria provided, single submitter. Criteria: Quest Diagnostics criteria. Collection method: clinical testing. Allele origin: unknown.

Literature cited by the submitters: PubMed 35534704 (cited by Women's Health and Genetics/Laboratory Corporation of America, LabCorp and Quest Diagnostics Nichols Institute San Juan Capistrano).